The following is an entry in ClinVar:

NM_001375524.1(TRRAP):c.8140A>T (p.Thr2714Ser)

Gene: TRRAP (transformation/transcription domain associated protein; plus strand). Cytogenetic location: 7q22.1.
Variant type: single nucleotide variant.
Coding change: c.8140A>T on transcript NM_001375524.1 (MANE Select); coding-DNA position 8140, A replaced by T.
Protein change: p.Thr2714Ser; replaces threonine 2714 with serine.
Molecular consequence: missense variant.
Genome position (GRCh38, 1-based): chr7:98,976,663, A>T. VCF-style: chr7-98976663-A-T. GRCh37 (hg19) VCF-style: chr7-98574286-A-T.
Other names: c.8119A>T, p.Thr2707Ser (NM_001244580.2); c.8065A>T, p.Thr2689Ser (NM_003496.4); c.8065A>T (NM_003496.3); short protein forms T2689S, T2707S, T2714S.
Identifiers: ClinVar variation 1709264 (VCV001709264.8), dbSNP rs770041686, ClinGen allele CA4361335.

ClinVar aggregate classification (germline): Uncertain significance. Review status: criteria provided, multiple submitters, no conflicts (2 of 4 stars). 3 submissions from 3 submitters: Uncertain significance (3). Last evaluated 2025-03-31.

Conditions:
Developmental delay with or without dysmorphic facies and autism. Identifiers: MedGen C5193106, MONDO:0032760, OMIM 618454.
TRRAP-related disorder. Also called: TRRAP-related condition.

Allele frequency attached by ClinVar (database versions not stated): ExAC 0.00001; gnomAD exomes 0.00002; TOPMed 0.00004; gnomAD 0.00005.
gnomAD v4.1: 36 of 1,614,078 alleles (0.0022%); highest among the groups gnomAD compares: Non-Finnish European, 0.003%; no homozygotes.

Submissions (3):

Labcorp Genetics (formerly Invitae), Labcorp
Classification: Uncertain significance. Last evaluated: 2025-03-31. Review status: criteria provided, single submitter. Criteria: Invitae Variant Classification Sherloc (09022015). Collection method: clinical testing. Allele origin: germline.
Comment: This sequence change replaces threonine, which is neutral and polar, with serine, which is neutral and polar, at codon 2689 of the TRRAP protein (p.Thr2689Ser). This variant is present in population databases (rs770041686, gnomAD 0.003%). This variant has not been reported in the literature in individuals affected with TRRAP-related conditions. ClinVar contains an entry for this variant (Variation ID: 1709264). Invitae Evidence Modeling of protein sequence and biophysical properties (such as structural, functional, and spatial information, amino acid conservation, physicochemical variation, residue mobility, and thermodynamic stability) indicates that this missense variant is not expected to disrupt TRRAP protein function with a negative predictive value of 80%. In summary, the available evidence is currently insufficient to determine the role of this variant in disease. Therefore, it has been classified as a Variant of Uncertain Significance.

PreventionGenetics, part of Exact Sciences
Classification: Uncertain significance for TRRAP-related condition. Last evaluated: 2024-11-27. Review status: criteria provided, single submitter. Criteria: ACMG Guidelines, 2015. Collection method: clinical testing. Allele origin: germline.
Comment: The TRRAP c.8065A>T variant is predicted to result in the amino acid substitution p.Thr2689Ser. To our knowledge, this variant has not been reported in the literature. This variant is reported in 0.0026% of alleles in individuals of European (Non-Finnish) descent in gnomAD. At this time, the clinical significance of this variant is uncertain due to the absence of conclusive functional and genetic evidence.

MGZ Medical Genetics Center
Classification: Uncertain significance for Developmental delay with or without dysmorphic facies and autism. Last evaluated: 2022-03-30. Review status: criteria provided, single submitter. Criteria: ACMG Guidelines, 2015. Collection method: clinical testing. Allele origin: germline. Affected: yes. Observed: 1 variant allele.
Comment: ACMG criteria applied: PM2_SUP, PP2, BP4